The following is an entry in ClinVar:

ClinVar aggregate classification (germline): Likely benign (0 of 4 stars; one submission).

Conditions:
ATP8B1-related disorder. Also called: ATP8B1-related disorders; ATP8B1-related condition.

Submission:

PreventionGenetics, part of Exact Sciences
Classification: Likely benign for ATP8B1-related condition. Last evaluated: 2022-01-12. Review status: no assertion criteria provided. Collection method: clinical testing. Allele origin: germline.
Comment: This variant is classified as likely benign based on ACMG/AMP sequence variant interpretation guidelines (Richards et al. 2015 PMID: 25741868, with internal and published modifications).

NM_001374385.1(ATP8B1):c.2577G>A (p.Glu859=)

Genes: ATP8B1 (ATPase phospholipid transporting 8B1; minus strand), ATP8B1-AS1 (ATP8B1 antisense RNA 1; plus strand). Cytogenetic location: 18q21.31.
Variant type: single nucleotide variant.
Coding change: c.2577G>A on transcript NM_001374385.1 (MANE Select); coding-DNA position 2577, G replaced by A.
Protein change: p.Glu859=; no amino-acid change (glutamic acid 859 retained).
Molecular consequence: synonymous variant.
Genome position (GRCh38, 1-based): chr18:57,661,304, C>T on the plus strand (G>A on the coding strand, the complement: ATP8B1 is on the minus strand). VCF-style: chr18-57661304-C-T. GRCh37 (hg19) VCF-style: chr18-55328536-C-T.
Other names: c.2427G>A, p.Glu809= (NM_001374386.1); c.2577G>A, p.Glu859= (NM_005603.6).
Identifiers: ClinVar variation 3059589 (VCV003059589.2), dbSNP rs2511652991, ClinGen allele CA504018242.